The following is an entry in ClinVar:

ClinVar aggregate classification (germline): Uncertain significance. Review status: criteria provided, multiple submitters, no conflicts (2 of 4 stars). 2 submissions from 2 submitters: Uncertain significance (2). Last evaluated 2025-11-06.

Allele frequency attached by ClinVar (database versions not stated): gnomAD exomes below 0.00001; ExAC 0.00002; TOPMed 0.00002; 1000 Genomes Project 30x 0.00016.

Submissions (2):

Labcorp Genetics (formerly Invitae), Labcorp
Classification: Uncertain significance. Last evaluated: 2025-11-06. Review status: criteria provided, single submitter. Criteria: Invitae Variant Classification Sherloc (09022015). Collection method: clinical testing. Allele origin: germline.
Comment: This sequence change replaces glycine, which is neutral and non-polar, with aspartic acid, which is acidic and polar, at codon 437 of the IRF2BP2 protein (p.Gly437Asp). This variant is present in population databases (rs757894992, gnomAD 0.003%). This variant has not been reported in the literature in individuals affected with IRF2BP2-related conditions. ClinVar contains an entry for this variant (Variation ID: 1366142). An algorithm developed to predict the effect of missense changes on protein structure and function (PolyPhen-2) suggests that this variant is likely to be disruptive. In summary, the available evidence is currently insufficient to determine the role of this variant in disease. Therefore, it has been classified as a Variant of Uncertain Significance.

Ambry Genetics
Classification: Uncertain significance. Last evaluated: 2025-03-21. Review status: criteria provided, single submitter. Criteria: Ambry Variant Classification Scheme 2023. Collection method: clinical testing. Allele origin: germline.

NM_182972.3(IRF2BP2):c.1310G>A (p.Gly437Asp)

Gene: IRF2BP2 (interferon regulatory factor 2 binding protein 2; minus strand). Cytogenetic location: 1q42.3.
Variant type: single nucleotide variant.
Coding change: c.1310G>A on transcript NM_182972.3 (MANE Select); coding-DNA position 1310, G replaced by A.
Protein change: p.Gly437Asp; replaces glycine 437 with aspartic acid.
Molecular consequence: missense variant.
Genome position (GRCh38, 1-based): chr1:234,607,591, C>T on the plus strand (G>A on the coding strand, the complement: IRF2BP2 is on the minus strand). VCF-style: chr1-234607591-C-T. GRCh37 (hg19) VCF-style: chr1-234743337-C-T.
Other names: c.1310G>A (NM_182972.2); c.1262G>A, p.Gly421Asp (NM_001077397.1); short protein forms G437D, G421D.
Identifiers: ClinVar variation 1366142 (VCV001366142.7), dbSNP rs757894992, ClinGen allele CA1461592.